The following is an entry in ClinVar:

ClinVar aggregate classification (germline): Uncertain significance (1 of 4 stars; one submission).

Conditions:
Spermatogenic failure 18. Identifiers: MedGen C4539783, MONDO:0054615, OMIM 617576.
Ciliary dyskinesia, primary, 37 (CILD37). Also called: CILIARY DYSKINESIA, PRIMARY, 37, WITH OR WITHOUT SITUS INVERSUS. Identifiers: MedGen C4539798, MONDO:0033204, OMIM 617577.

Allele frequency attached by ClinVar (database versions not stated): 1000 Genomes Project 30x 0.00031; 1000 Genomes Project 0.00040; gnomAD exomes 0.00001; TOPMed 0.00001; ExAC 0.00002; gnomAD 0.00002.
gnomAD v4.1: 14 of 1,613,844 alleles (0.00087%); highest among the groups gnomAD compares: African/African-American, 0.004%; no homozygotes.

Submission:

Labcorp Genetics (formerly Invitae), Labcorp
Classification: Uncertain significance for Ciliary dyskinesia, primary, 37; Spermatogenic failure 18. Last evaluated: 2023-02-19. Review status: criteria provided, single submitter. Criteria: Invitae Variant Classification Sherloc (09022015). Collection method: clinical testing. Allele origin: germline.
Comment: In summary, the available evidence is currently insufficient to determine the role of this variant in disease. Therefore, it has been classified as a Variant of Uncertain Significance. Advanced modeling of protein sequence and biophysical properties (such as structural, functional, and spatial information, amino acid conservation, physicochemical variation, residue mobility, and thermodynamic stability) has been performed at Invitae for this missense variant, however the output from this modeling did not meet the statistical confidence thresholds required to predict the impact of this variant on DNAH1 protein function. This variant has not been reported in the literature in individuals affected with DNAH1-related conditions. This variant is present in population databases (rs145520654, gnomAD 0.01%). This sequence change replaces threonine, which is neutral and polar, with methionine, which is neutral and non-polar, at codon 1691 of the DNAH1 protein (p.Thr1691Met).

NM_015512.5(DNAH1):c.5072C>T (p.Thr1691Met)

Gene: DNAH1 (dynein axonemal heavy chain 1; plus strand). Cytogenetic location: 3p21.1.
Variant type: single nucleotide variant.
Coding change: c.5072C>T on transcript NM_015512.5 (MANE Select); coding-DNA position 5072, C replaced by T.
Protein change: p.Thr1691Met; replaces threonine 1691 with methionine.
Molecular consequence: missense variant.
Genome position (GRCh38, 1-based): chr3:52,362,479, C>T. VCF-style: chr3-52362479-C-T. GRCh37 (hg19) VCF-style: chr3-52396495-C-T.
Other names: short protein forms T1691M.
Identifiers: ClinVar variation 2926956 (VCV002926956.2), dbSNP rs145520654, ClinGen allele CA2434084.